The following is an entry in ClinVar:

NM_000041.4(APOE):c.932_933del (p.Pro311fs)

Gene: APOE (apolipoprotein E; plus strand). Cytogenetic location: 19q13.32.
Variant type: Deletion.
Coding change: c.932_933del on transcript NM_000041.4 (MANE Select); coding-DNA positions 932 to 933, 2 bases deleted (CT; older notation c.932_933delCT).
Protein change: p.Pro311fs; shifts the reading frame from proline 311.
Molecular consequence: frameshift variant.
Genome position (GRCh38, 1-based): chr19:44,909,228-44,909,229, CT deleted. VCF-style (leftmost placement, unchanged base first): chr19-44909227-CCT-C. GRCh37 (hg19) VCF-style: chr19-45412484-CCT-C.
Other names: c.1010_1011del, p.Pro337fs (NM_001302688.2); c.932_933del, p.Pro311fs (NM_001302689.2, NM_001302690.2, NM_001302691.2); short protein forms P311fs, P337fs.
Identifiers: ClinVar variation 5016522 (VCV005016522.1).

ClinVar aggregate classification (germline): Uncertain significance (1 of 4 stars; one submission).

Conditions:
Familial hypercholesterolemia. Also called: Familial hypercholesterolemias; Familial hypercholesterolaemia. Identifiers: MedGen C0020445, MONDO:0005439.

Submission:

Cambridge Genomics Laboratory, East Genomic Laboratory Hub, NHS Genomic Medicine Service
Classification: Uncertain significance for Familial hypercholesterolaemia. Last evaluated: 2026-09-16. Review status: criteria provided, single submitter. Criteria: ACGS Best Practice Guidelines for Variant Classification in Rare Disease 2020. Collection method: clinical testing. Allele origin: germline. Affected: yes.
Comment: PM2,PM4,PP4